The following is an entry in ClinVar:

NM_201253.3(CRB1):c.1782del (p.Ala595fs)

Gene: CRB1 (crumbs cell polarity complex component 1; plus strand). Cytogenetic location: 1q31.3.
Variant type: Deletion.
Coding change: c.1782del on transcript NM_201253.3 (MANE Select); coding-DNA position 1782, one base deleted (A; older notation c.1782delA).
Protein change: p.Ala595fs; shifts the reading frame from alanine 595.
Molecular consequence: frameshift variant. On other transcripts: non-coding transcript variant (1).
Genome position (GRCh38, 1-based): chr1:197,421,610, A deleted; the last of 3 consecutive A bases (chr1:197,421,608-197,421,610); deleting any one gives the same sequence. VCF-style (leftmost placement, unchanged base first): chr1-197421607-GA-G. GRCh37 (hg19) VCF-style: chr1-197390737-GA-G.
Other names: c.1446del, p.Ala483fs (NM_001193640.2); c.1575del, p.Ala526fs (NM_001257965.2); c.1782del, p.Ala595fs (NM_001257966.2); short protein forms A595fs, A526fs, A483fs.
Identifiers: ClinVar variation 2954108 (VCV002954108.3), dbSNP rs2528110973, ClinGen allele CA2740090449.
Genomic context (GRCh38, chr1:197,421,607, plus strand): 5'-ATTTGCAGAGGCTGTGACCCTTACCTTAATCGACGACTCCTGTAAGGAGAAATGCATCGC[GA>G]AAGCTCCTACTCCACTTGAAAGTGATCAATCAATATGTGCTTTTCAGAACTCCTTTTTGG-3'

ClinVar aggregate classification (germline): Pathogenic (1 of 4 stars; one submission).

Conditions:
Retinitis pigmentosa 12 (RP12). Also called: RP WITH OR WITHOUT PPRPE; RP WITH OR WITHOUT PRESERVED PARAARTERIOLE RETINAL PIGMENT EPITHELIUM; RETINITIS PIGMENTOSA WITH OR WITHOUT PARAARTERIOLAR PRESERVATION OF RETINAL PIGMENT EPITHELIUM. Identifiers: Orphanet 791, MedGen C1838647, MONDO:0010818, OMIM 600105.
Leber congenital amaurosis 8 (LCA8). Identifiers: Orphanet 65, MedGen C3151202, MONDO:0013453, OMIM 613835.

Submission:

Labcorp Genetics (formerly Invitae), Labcorp
Classification: Pathogenic for Leber congenital amaurosis 8; Retinitis pigmentosa 12. Last evaluated: 2023-11-21. Review status: criteria provided, single submitter. Criteria: Invitae Variant Classification Sherloc (09022015). Collection method: clinical testing. Allele origin: germline.
Comment: This sequence change creates a premature translational stop signal (p.Ala595Leufs*26) in the CRB1 gene. It is expected to result in an absent or disrupted protein product. Loss-of-function variants in CRB1 are known to be pathogenic (PMID: 10508521, 22065545, 23379534, 25412400, 26957898, 28041643, 29391521). This variant is not present in population databases (gnomAD no frequency). This variant has not been reported in the literature in individuals affected with CRB1-related conditions. For these reasons, this variant has been classified as Pathogenic.

Literature cited by the submitters: PubMed 10508521; PubMed 22065545; PubMed 23379534; PubMed 25412400; PubMed 26957898; PubMed 28041643; PubMed 29391521.